The following is an entry in ClinVar:

NM_001256627.2(BRSK2):c.91+21070G>A

Gene: BRSK2 (BR serine/threonine kinase 2; plus strand). Cytogenetic location: 11p15.5.
Variant type: single nucleotide variant.
Coding change: c.91+21070G>A on transcript NM_001256627.2 (MANE Select); 21070 bases into the intron after coding-DNA position 91, G replaced by A.
Molecular consequence: intron variant. On other transcripts: missense variant (1).
Genome position (GRCh38, 1-based): chr11:1,411,445, G>A. VCF-style: chr11-1411445-G-A. GRCh37 (hg19) VCF-style: chr11-1432675-G-A.
Other names: c.41G>A, p.Arg14His (NM_001256630.1); c.91+21070G>A (NM_001256629.2, NM_003957.4); c.-90+539G>A (NM_001282218.2); short protein forms R14H.
Identifiers: ClinVar variation 3030899 (VCV003030899.2), dbSNP rs553621737, ClinGen allele CA5810290.

ClinVar aggregate classification (germline): Uncertain significance (0 of 4 stars; one submission).

Conditions:
BRSK2-related disorder. Also called: BRSK2-related condition; BRSK2-Related Disorders.

Allele frequency attached by ClinVar (database versions not stated): TOPMed 0.00002; gnomAD 0.00003; ExAC 0.00006; 1000 Genomes Project 0.00020; 1000 Genomes Project 30x 0.00031.
gnomAD v4.1: 17 of 1,467,460 alleles (0.0012%); highest among the groups gnomAD compares: East Asian, 0.018%; no homozygotes.

Submission:

PreventionGenetics, part of Exact Sciences
Classification: Uncertain significance for BRSK2-related condition. Last evaluated: 2023-12-31. Review status: no assertion criteria provided. Collection method: clinical testing. Allele origin: germline.
Comment: The BRSK2 c.41G>A variant is predicted to result in the amino acid substitution p.Arg14His. To our knowledge, this variant has not been reported in the literature. This variant is reported in 0.036% of alleles in individuals of East Asian descent in gnomAD. At this time, the clinical significance of this variant is uncertain due to the absence of conclusive functional and genetic evidence.